The following is an entry in ClinVar:

NM_001063.4(TF):c.1274C>T (p.Pro425Leu)

Gene: TF (transferrin; plus strand). Cytogenetic location: 3q22.1.
Variant type: single nucleotide variant.
Coding change: c.1274C>T on transcript NM_001063.4 (MANE Select); coding-DNA position 1274, C replaced by T.
Protein change: p.Pro425Leu; replaces proline 425 with leucine.
Molecular consequence: missense variant.
Genome position (GRCh38, 1-based): chr3:133,764,252, C>T. VCF-style: chr3-133764252-C-T. GRCh37 (hg19) VCF-style: chr3-133483096-C-T.
Other names: c.1142C>T, p.Pro381Leu (NM_001354703.2); c.893C>T, p.Pro298Leu (NM_001354704.2); short protein forms P298L, P425L, P381L.
Identifiers: ClinVar variation 4701919 (VCV004701919.1).

ClinVar aggregate classification (germline): Uncertain significance (1 of 4 stars; one submission).

gnomAD v4.1: 4 of 1,613,942 alleles (0.00025%); highest among the groups gnomAD compares: South Asian, 0.0011%; no homozygotes.

Submission:

Labcorp Genetics (formerly Invitae), Labcorp
Classification: Uncertain significance. Last evaluated: 2025-11-12. Review status: criteria provided, single submitter. Criteria: Invitae Variant Classification Sherloc (09022015). Collection method: clinical testing. Allele origin: germline.
Comment: This sequence change replaces proline, which is neutral and non-polar, with leucine, which is neutral and non-polar, at codon 425 of the TF protein (p.Pro425Leu). This variant is present in population databases (no rsID available, gnomAD 0.003%). This variant has not been reported in the literature in individuals affected with TF-related conditions. Invitae Evidence Modeling of protein sequence and biophysical properties (such as structural, functional, and spatial information, amino acid conservation, physicochemical variation, residue mobility, and thermodynamic stability) indicates that this missense variant is expected to disrupt TF protein function with a positive predictive value of 80%. In summary, the available evidence is currently insufficient to determine the role of this variant in disease. Therefore, it has been classified as a Variant of Uncertain Significance.